The following is an entry in ClinVar:

ClinVar aggregate classification (germline): Uncertain significance (1 of 4 stars; one submission).

Conditions:
Desmin-related myofibrillar myopathy (MFM1). Also called: Myofibrillar myopathy 1; Desminopathy; Desmin related myopathy (former name); Desmin storage myopathy (former name); MYOFIBRILLAR MYOPATHY WITH ARRHYTHMOGENIC RIGHT VENTRICULAR CARDIOMYOPATHY; DESMIN-RELATED MYOPATHY WITH ARRHYTHMOGENIC RIGHT VENTRICULAR CARDIOMYOPATHY. Identifiers: Orphanet 363543, Orphanet 98909, MedGen C1832370, MONDO:0011076, OMIM 601419.

gnomAD v4.1: 7 of 1,614,136 alleles (0.00043%); highest among the groups gnomAD compares: Non-Finnish European, 0.00059%; no homozygotes.

Submission:

Labcorp Genetics (formerly Invitae), Labcorp
Classification: Uncertain significance for Desmin-related myofibrillar myopathy. Last evaluated: 2024-09-29. Review status: criteria provided, single submitter. Criteria: Invitae Variant Classification Sherloc (09022015). Collection method: clinical testing. Allele origin: germline.
Comment: This sequence change replaces glutamic acid, which is acidic and polar, with lysine, which is basic and polar, at codon 387 of the DES protein (p.Glu387Lys). This variant is not present in population databases (gnomAD no frequency). This variant has not been reported in the literature in individuals affected with DES-related conditions. ClinVar contains an entry for this variant (Variation ID: 239073). Invitae Evidence Modeling of protein sequence and biophysical properties (such as structural, functional, and spatial information, amino acid conservation, physicochemical variation, residue mobility, and thermodynamic stability) has been performed for this missense variant. However, the output from this modeling did not meet the statistical confidence thresholds required to predict the impact of this variant on DES protein function. In summary, the available evidence is currently insufficient to determine the role of this variant in disease. Therefore, it has been classified as a Variant of Uncertain Significance.

NM_001927.4(DES):c.1159G>A (p.Glu387Lys)

Gene: DES (desmin; plus strand). Cytogenetic location: 2q35.
Variant type: single nucleotide variant.
Coding change: c.1159G>A on transcript NM_001927.4 (MANE Select); coding-DNA position 1159, G replaced by A.
Protein change: p.Glu387Lys; replaces glutamic acid 387 with lysine.
Molecular consequence: missense variant.
Genome position (GRCh38, 1-based): chr2:219,421,475, G>A. VCF-style: chr2-219421475-G-A. GRCh37 (hg19) VCF-style: chr2-220286197-G-A.
Other names: c.1159G>A (LRG_380t1); short protein forms E387K.
Identifiers: ClinVar variation 239073 (VCV000239073.9), dbSNP rs865961434, ClinGen allele CA10581951.
Genomic context (GRCh38, chr2:219,421,475, plus strand): 5'-ATTGCGCGCCTGGAGGAGGAAATCCGGCACCTCAAGGATGAGATGGCCCGCCATCTGCGC[G>A]AGTACCAGGACCTGCTCAACGTGAAGATGGCCCTGGATGTGGAGATTGCCACCTACCGGA-3'
Protein context (NP_001918.3, residues 377-397): LKDEMARHLR[Glu387Lys]YQDLLNVKMA